The following is an entry in ClinVar:

NM_015910.7(WDPCP):c.1356G>T (p.Lys452Asn)

Gene: WDPCP (WD repeat containing planar cell polarity effector; minus strand). Cytogenetic location: 2p15.
Variant type: single nucleotide variant.
Coding change: c.1356G>T on transcript NM_015910.7 (MANE Select); coding-DNA position 1356, G replaced by T.
Protein change: p.Lys452Asn; replaces lysine 452 with asparagine.
Molecular consequence: missense variant. On other transcripts: non-coding transcript variant (3).
Genome position (GRCh38, 1-based): chr2:63,404,127, C>A on the plus strand (G>T on the coding strand, the complement: WDPCP is on the minus strand). VCF-style: chr2-63404127-C-A. GRCh37 (hg19) VCF-style: chr2-63631262-C-A.
Other names: c.879G>T, p.Lys293Asn (NM_001042692.3); c.1284G>T, p.Lys428Asn (NM_001354044.2); c.1356G>T, p.Lys452Asn (NM_001354045.2); short protein forms K452N, K293N, K428N.
Identifiers: ClinVar variation 957354 (VCV000957354.9), dbSNP rs372258764, ClinGen allele CA347064587.

ClinVar aggregate classification (germline): Uncertain significance (1 of 4 stars; one submission).

Conditions:
Bardet-Biedl syndrome (BBS). Identifiers: Orphanet 110, MedGen C0752166, MONDO:0015229.

Submission:

Labcorp Genetics (formerly Invitae), Labcorp
Classification: Uncertain significance for Bardet-Biedl syndrome. Last evaluated: 2023-12-11. Review status: criteria provided, single submitter. Criteria: Invitae Variant Classification Sherloc (09022015). Collection method: clinical testing. Allele origin: germline.
Comment: This sequence change replaces lysine, which is basic and polar, with asparagine, which is neutral and polar, at codon 452 of the WDPCP protein (p.Lys452Asn). This variant is not present in population databases (gnomAD no frequency). This variant has not been reported in the literature in individuals affected with WDPCP-related conditions. ClinVar contains an entry for this variant (Variation ID: 957354). Advanced modeling of protein sequence and biophysical properties (such as structural, functional, and spatial information, amino acid conservation, physicochemical variation, residue mobility, and thermodynamic stability) performed at Invitae indicates that this missense variant is not expected to disrupt WDPCP protein function with a negative predictive value of 80%. In summary, the available evidence is currently insufficient to determine the role of this variant in disease. Therefore, it has been classified as a Variant of Uncertain Significance.